The following is an entry in ClinVar:

ClinVar aggregate classification (germline): Uncertain significance (1 of 4 stars; one submission).

Conditions:
Hereditary cancer-predisposing syndrome. Also called: Neoplastic Syndromes, Hereditary; Tumor predisposition; Hereditary neoplastic syndrome; Hereditary Cancer Syndrome. Identifiers: Orphanet 140162, MedGen C0027672, MeSH D009386, MONDO:0015356.

gnomAD v4.1: 2 of 1,613,126 alleles (0.00012%); highest among the groups gnomAD compares: Non-Finnish European, 0.00017%; no homozygotes.

Submission:

Ambry Genetics
Classification: Uncertain significance for Hereditary cancer-predisposing syndrome. Last evaluated: 2026-08-04. Review status: criteria provided, single submitter. Criteria: Ambry Variant Classification Scheme 2023. Collection method: clinical testing. Allele origin: germline.
Comment: The p.N643K variant (also known as c.1929C>G), located in coding exon 12 of the CDH1 gene, results from a C to G substitution at nucleotide position 1929. The asparagine at codon 643 is replaced by lysine, an amino acid with similar properties. This amino acid position is conserved. In addition, this alteration is predicted to be tolerated by in silico analysis. Based on the available evidence, the clinical significance of this variant remains unclear.

NM_004360.5(CDH1):c.1929C>G (p.Asn643Lys)

Gene: CDH1 (cadherin 1; plus strand). Cytogenetic location: 16q22.1.
Variant type: single nucleotide variant.
Coding change: c.1929C>G on transcript NM_004360.5 (MANE Select); coding-DNA position 1929, C replaced by G.
Protein change: p.Asn643Lys; replaces asparagine 643 with lysine.
Molecular consequence: missense variant. On other transcripts: 5 prime UTR variant (1).
Genome position (GRCh38, 1-based): chr16:68,822,218, C>G. VCF-style: chr16-68822218-C-G. GRCh37 (hg19) VCF-style: chr16-68856121-C-G.
Other names: c.1746C>G, p.Asn582Lys (NM_001317184.2); c.381C>G, p.Asn127Lys (NM_001317185.2); c.-37C>G (NM_001317186.2); short protein forms N643K, N127K, N582K.
Identifiers: ClinVar variation 5034010 (VCV005034010.1).